The following is an entry in ClinVar:

ClinVar aggregate classification (germline): Uncertain significance (1 of 4 stars; one submission).

Submission:

Ambry Genetics
Classification: Uncertain significance. Last evaluated: 2025-01-11. Review status: criteria provided, single submitter. Criteria: Ambry Variant Classification Scheme 2023. Collection method: clinical testing. Allele origin: germline.
Comment: The p.P267A variant (also known as c.799C>G), located in coding exon 1 of the TET2 gene, results from a C to G substitution at nucleotide position 799. The proline at codon 267 is replaced by alanine, an amino acid with highly similar properties. This amino acid position is conserved. In addition, this alteration is predicted to be tolerated by in silico analysis. Based on the available evidence, the clinical significance of this variant remains unclear.

NM_001127208.3(TET2):c.799C>G (p.Pro267Ala)

Genes: TET2 (tet methylcytosine dioxygenase 2; plus strand), TET2-AS1 (TET2 antisense RNA 1; minus strand). Cytogenetic location: 4q24.
Variant type: single nucleotide variant.
Coding change: c.799C>G on transcript NM_001127208.3 (MANE Select); coding-DNA position 799, C replaced by G.
Protein change: p.Pro267Ala; replaces proline 267 with alanine.
Molecular consequence: missense variant.
Genome position (GRCh38, 1-based): chr4:105,234,741, C>G. VCF-style: chr4-105234741-C-G. GRCh37 (hg19) VCF-style: chr4-106155898-C-G.
Other names: c.799C>G, p.Pro267Ala (NM_017628.4); short protein forms P267A.
Identifiers: ClinVar variation 3805946 (VCV003805946.1).
Genomic context (GRCh38, chr4:105,234,741, plus strand): 5'-TCTCACATAAATGCCATTAACAGTCAGGCTACTAATGAGTTGTCCTGTGAGATCACTCAC[C>G]CATCGCATACCTCAGGGCAGATCAATTCCGCACAGACCTCTAACTCTGAGCTGCCTCCAA-3'
Protein context (NP_001120680.1, residues 257-277): TNELSCEITH[Pro267Ala]SHTSGQINSA